The following is an entry in ClinVar:

ClinVar aggregate classification (germline): Conflicting classifications of pathogenicity. Review status: criteria provided, conflicting classifications (1 of 4 stars). 4 submissions from 4 submitters: Uncertain significance (2); Likely benign (1). 1 of the submissions does not count toward it. Last evaluated 2025-11-20.

Conditions:
Hereditary cancer-predisposing syndrome. Also called: Tumor predisposition; Hereditary Cancer Syndrome; Hereditary neoplastic syndrome; Neoplastic Syndromes, Hereditary. Identifiers: Orphanet 140162, MedGen C0027672, MeSH D009386, MONDO:0015356.
Ataxia-telangiectasia syndrome (AT). Also called: Ataxia telangiectasia (A-T); LOUIS-BAR SYNDROME; Cerebello-oculocutaneous telangiectasia; Immunodeficiency with ataxia telangiectasia; ATAXIA-TELANGIECTASIA, COMPLEMENTATION GROUP A; ATAXIA-TELANGIECTASIA, FRESNO VARIANT. Identifiers: Orphanet 100, MedGen C0004135, MONDO:0008840, OMIM 208900.

Allele frequency attached by ClinVar (database versions not stated): gnomAD exomes below 0.00001; TOPMed below 0.00001.

Submissions (4):

Ambry Genetics
Classification: Likely benign for Hereditary cancer-predisposing syndrome. Last evaluated: 2025-11-20. Review status: criteria provided, single submitter. Criteria: Ambry Variant Classification Scheme 2023. Collection method: clinical testing. Allele origin: germline.

Color Diagnostics, LLC DBA Color Health
Classification: Uncertain significance for Hereditary cancer-predisposing syndrome. Last evaluated: 2023-12-05. Review status: criteria provided, single submitter. Criteria: ACMG Guidelines, 2015. Collection method: clinical testing. Allele origin: germline.
Comment: This missense variant replaces valine with leucine at codon 1629 of the ATM protein. Computational prediction suggests that this variant may not impact protein structure and function (internally defined REVEL score threshold <= 0.5, PMID: 27666373). To our knowledge, functional studies have not been reported for this variant. This variant has not been reported in individuals affected with ATM-related disorders in the literature. This variant has been identified in 1/251392 chromosomes in the general population by the Genome Aggregation Database (gnomAD). The available evidence is insufficient to determine the role of this variant in disease conclusively. Therefore, this variant is classified as a Variant of Uncertain Significance.

Labcorp Genetics (formerly Invitae), Labcorp
Classification: Uncertain significance for Ataxia-telangiectasia syndrome. Last evaluated: 2023-05-24. Review status: criteria provided, single submitter. Criteria: Invitae Variant Classification Sherloc (09022015). Collection method: clinical testing. Allele origin: germline.
Comment: This sequence change replaces valine, which is neutral and non-polar, with leucine, which is neutral and non-polar, at codon 1629 of the ATM protein (p.Val1629Leu). This variant is present in population databases (no rsID available, gnomAD 0.006%). This variant has not been reported in the literature in individuals affected with ATM-related conditions. ClinVar contains an entry for this variant (Variation ID: 233945). Algorithms developed to predict the effect of missense changes on protein structure and function output the following: SIFT: "Not Available"; PolyPhen-2: "Benign"; Align-GVGD: "Not Available". The leucine amino acid residue is found in multiple mammalian species, which suggests that this missense change does not adversely affect protein function. In summary, the available evidence is currently insufficient to determine the role of this variant in disease. Therefore, it has been classified as a Variant of Uncertain Significance.

Natera, Inc.
Classification: Uncertain significance for Ataxia-telangiectasia. Last evaluated: 2021-04-28. Review status: no assertion criteria provided. Collection method: clinical testing. Allele origin: germline. Not counted in ClinVar's aggregate classification.

NM_000051.4(ATM):c.4885G>C (p.Val1629Leu)

Gene: ATM (ATM serine/threonine kinase; plus strand). Cytogenetic location: 11q22.3.
Variant type: single nucleotide variant.
Coding change: c.4885G>C on transcript NM_000051.4 (MANE Select); coding-DNA position 4885, G replaced by C.
Protein change: p.Val1629Leu; replaces valine 1629 with leucine.
Molecular consequence: missense variant.
Genome position (GRCh38, 1-based): chr11:108,295,035, G>C. VCF-style: chr11-108295035-G-C. GRCh37 (hg19) VCF-style: chr11-108165762-G-C.
Other names: c.4885G>C, p.Val1629Leu (NM_001351834.2); short protein forms V1629L.
Identifiers: ClinVar variation 233945 (VCV000233945.18), dbSNP rs876660748, ClinGen allele CA10579167.